The following is an entry in ClinVar:

NM_002691.4(POLD1):c.2143G>A (p.Glu715Lys)

Gene: POLD1 (DNA polymerase delta 1, catalytic subunit; plus strand). Cytogenetic location: 19q13.33.
Variant type: single nucleotide variant.
Coding change: c.2143G>A on transcript NM_002691.4 (MANE Select); coding-DNA position 2143, G replaced by A.
Protein change: p.Glu715Lys; replaces glutamic acid 715 with lysine.
Molecular consequence: missense variant. On other transcripts: non-coding transcript variant (1).
Genome position (GRCh38, 1-based): chr19:50,409,655, G>A. VCF-style: chr19-50409655-G-A. GRCh37 (hg19) VCF-style: chr19-50912912-G-A.
Other names: c.2143G>A, p.Glu715Lys (NM_001256849.1); c.2221G>A, p.Glu741Lys (NM_001308632.1); c.2143G>A (NM_002691.2); short protein forms E715K, E741K.
Identifiers: ClinVar variation 420306 (VCV000420306.11), dbSNP rs369988982, ClinGen allele CA9596392.

ClinVar aggregate classification (germline): Uncertain significance. Review status: criteria provided, multiple submitters, no conflicts (2 of 4 stars). 3 submissions from 3 submitters: Uncertain significance (3). Last evaluated 2025-11-11.

Conditions:
POLD1-related polyposis and colorectal cancer syndrome (CRCS10). Also called: Colorectal cancer 10; COLORECTAL CANCER, SUSCEPTIBILITY TO, ON CHROMOSOME 19q; Colorectal cancer, susceptibility to, 10. Identifiers: Orphanet 220460, MedGen C2675481, MONDO:0012953, OMIM 612591.
Hereditary cancer-predisposing syndrome. Also called: Neoplastic Syndromes, Hereditary; Hereditary neoplastic syndrome; Tumor predisposition; Hereditary Cancer Syndrome. Identifiers: Orphanet 140162, MedGen C0027672, MeSH D009386, MONDO:0015356.

Allele frequency attached by ClinVar (database versions not stated): gnomAD exomes below 0.00001; TOPMed below 0.00001; ExAC 0.00001; ESP Exome Variant Server 0.00008.
gnomAD v4.1: 6 of 1,605,302 alleles (0.00037%); highest among the groups gnomAD compares: African/African-American, 0.0013%; no homozygotes.

Submissions (3):

Labcorp Genetics (formerly Invitae), Labcorp
Classification: Uncertain significance for POLD1-related polyposis and colorectal cancer syndrome. Last evaluated: 2025-11-11. Review status: criteria provided, single submitter. Criteria: Invitae Variant Classification Sherloc (09022015). Collection method: clinical testing. Allele origin: germline.
Comment: This sequence change replaces glutamic acid, which is acidic and polar, with lysine, which is basic and polar, at codon 715 of the POLD1 protein (p.Glu715Lys). This variant is present in population databases (rs369988982, gnomAD 0.002%). This variant has not been reported in the literature in individuals affected with POLD1-related conditions. ClinVar contains an entry for this variant (Variation ID: 420306). Invitae Evidence Modeling of protein sequence and biophysical properties (such as structural, functional, and spatial information, amino acid conservation, physicochemical variation, residue mobility, and thermodynamic stability) indicates that this missense variant is expected to disrupt POLD1 protein function with a positive predictive value of 80%. In summary, the available evidence is currently insufficient to determine the role of this variant in disease. Therefore, it has been classified as a Variant of Uncertain Significance.

Ambry Genetics
Classification: Uncertain significance for Hereditary cancer-predisposing syndrome. Last evaluated: 2024-12-13. Review status: criteria provided, single submitter. Criteria: Ambry Variant Classification Scheme 2023. Collection method: clinical testing. Allele origin: germline.
Comment: The p.E715K variant (also known as c.2143G>A), located in coding exon 16 of the POLD1 gene, results from a G to A substitution at nucleotide position 2143. The glutamic acid at codon 715 is replaced by lysine, an amino acid with similar properties. This amino acid position is highly conserved in available vertebrate species. In addition, the in silico prediction for this alteration is inconclusive. Based on the available evidence, the clinical significance of this variant remains unclear.

GeneDx
Classification: Uncertain significance. Last evaluated: 2019-11-14. Review status: criteria provided, single submitter. Criteria: GeneDx Variant Classification Process June 2021. Collection method: clinical testing. Allele origin: germline. Affected: yes.
Comment: Not observed at a significant frequency in large population cohorts (Lek 2016); In silico analysis, which includes protein predictors and evolutionary conservation, supports a deleterious effect; Has not been previously published as pathogenic or benign to our knowledge